The following is an entry in ClinVar:

ClinVar aggregate classification (germline): Likely benign. Review status: criteria provided, multiple submitters, no conflicts (2 of 4 stars). 6 submissions from 6 submitters: Likely benign (6). Last evaluated 2025-11-21.

Conditions:
Catecholaminergic polymorphic ventricular tachycardia (CVPT). Also called: Catecholamine-induced polymorphic ventricular tachycardia. Identifiers: Orphanet 3286, MedGen C5574922, MONDO:0017990.
Cardiomyopathy (CMYO). Also called: Cardiomyopathies. Identifiers: Orphanet 167848, MedGen C0878544, MONDO:0004994, HP:0001638. Inheritance: Various modes of inheritance.
Cardiovascular phenotype. Identifiers: MedGen CN230736.
Catecholaminergic polymorphic ventricular tachycardia 1. Also called: VENTRICULAR TACHYCARDIA, STRESS-INDUCED POLYMORPHIC 1; VENTRICULAR TACHYCARDIA, CATECHOLAMINERGIC POLYMORPHIC, 1, WITH OR WITHOUT ATRIAL DYSFUNCTION AND/OR DILATED CARDIOMYOPATHY; RYR2-Related Catecholaminergic Polymorphic Ventricular Tachycardia. Identifiers: Orphanet 3286, MedGen C1631597, MONDO:0011484, OMIM 604772.

Allele frequency attached by ClinVar (database versions not stated): TOPMed 0.00004.
gnomAD v4.1: 35 of 1,613,778 alleles (0.0022%); highest among the groups gnomAD compares: Middle Eastern, 0.033%; no homozygotes.

Submissions (6):

Labcorp Genetics (formerly Invitae), Labcorp
Classification: Likely benign for Catecholaminergic polymorphic ventricular tachycardia 1. Last evaluated: 2025-11-21. Review status: criteria provided, single submitter. Criteria: Invitae Variant Classification Sherloc (09022015). Collection method: clinical testing. Allele origin: germline.

CeGaT Center for Human Genetics Tuebingen
Classification: Likely benign. Last evaluated: 2024-07-01. Review status: criteria provided, single submitter. Criteria: CeGaT Center For Human Genetics Tuebingen Variant Classification Criteria Version 2. Collection method: clinical testing. Allele origin: germline. Affected: yes. Observed: 1 variant allele.
Comment: RYR2: BP4, BP7

All of Us Research Program, National Institutes of Health
Classification: Likely benign for Catecholaminergic polymorphic ventricular tachycardia. Last evaluated: 2023-09-05. Review status: criteria provided, single submitter. Criteria: ACMG Guidelines, 2015. Collection method: clinical testing. Allele origin: germline. Inheritance: Autosomal dominant inheritance. Observed: 3 variant alleles, 3 heterozygotes.
Comment: This study involves interpretation of variants in research participants for the purpose of population health screening. Participant phenotype was not available at the time of variant classification. Additional details can be found in publication PMID: 35346344, PMCID: PMC8962531

Ambry Genetics
Classification: Likely benign for Cardiovascular phenotype. Last evaluated: 2020-08-30. Review status: criteria provided, single submitter. Criteria: Ambry Variant Classification Scheme 2023. Collection method: clinical testing. Allele origin: germline.

Color Diagnostics, LLC DBA Color Health
Classification: Likely benign for Cardiomyopathy. Last evaluated: 2018-12-03. Review status: criteria provided, single submitter. Criteria: ACMG Guidelines, 2015. Collection method: clinical testing. Allele origin: germline.

GeneDx
Classification: Likely benign. Last evaluated: 2015-10-22. Review status: criteria provided, single submitter. Criteria: GeneDx Variant Classification (06012015). Collection method: clinical testing. Allele origin: germline. Affected: yes.
Comment: This variant is considered likely benign or benign based on one or more of the following criteria: it is a conservative change, it occurs at a poorly conserved position in the protein, it is predicted to be benign by multiple in silico algorithms, and/or has population frequency not consistent with disease.

NM_001035.3(RYR2):c.12609G>A (p.Ala4203=)

Genes: RYR2 (ryanodine receptor 2; plus strand), LOC126806068 (BRD4-independent group 4 enhancer GRCh37_chr1:237947411-237948610; plus strand). Cytogenetic location: 1q43.
Variant type: single nucleotide variant.
Coding change: c.12609G>A on transcript NM_001035.3 (MANE Select); coding-DNA position 12609, G replaced by A.
Protein change: p.Ala4203=; no amino-acid change (alanine 4203 retained).
Molecular consequence: synonymous variant.
Genome position (GRCh38, 1-based): chr1:237,784,321, G>A. VCF-style: chr1-237784321-G-A. GRCh37 (hg19) VCF-style: chr1-237947621-G-A.
Other names: c.12609G>A, p.Ala4203= (LRG_402t1).
Identifiers: ClinVar variation 380758 (VCV000380758.33), dbSNP rs372943408, ClinGen allele CA085202.